The following is an entry in ClinVar:

NM_001077653.2(TBX20):c.826A>G (p.Lys276Glu)

Gene: TBX20 (T-box transcription factor 20; minus strand). Cytogenetic location: 7p14.2.
Variant type: single nucleotide variant.
Coding change: c.826A>G on transcript NM_001077653.2 (MANE Select); coding-DNA position 826, A replaced by G.
Protein change: p.Lys276Glu; replaces lysine 276 with glutamic acid.
Molecular consequence: missense variant.
Genome position (GRCh38, 1-based): chr7:35,231,568, T>C on the plus strand (A>G on the coding strand, the complement: TBX20 is on the minus strand). VCF-style: chr7-35231568-T-C. GRCh37 (hg19) VCF-style: chr7-35271180-T-C.
Other names: c.826A>G, p.Lys276Glu (NM_001166220.1); short protein forms K276E.
Identifiers: ClinVar variation 2744444 (VCV002744444.3), dbSNP rs2546989847, ClinGen allele CA367263838.

ClinVar aggregate classification (germline): Uncertain significance (1 of 4 stars; one submission).

Submission:

Labcorp Genetics (formerly Invitae), Labcorp
Classification: Uncertain significance. Last evaluated: 2025-05-06. Review status: criteria provided, single submitter. Criteria: Invitae Variant Classification Sherloc (09022015). Collection method: clinical testing. Allele origin: germline.
Comment: This sequence change replaces lysine, which is basic and polar, with glutamic acid, which is acidic and polar, at codon 276 of the TBX20 protein (p.Lys276Glu). This variant is not present in population databases (gnomAD no frequency). This variant has not been reported in the literature in individuals affected with TBX20-related conditions. ClinVar contains an entry for this variant (Variation ID: 2744444). Invitae Evidence Modeling of protein sequence and biophysical properties (such as structural, functional, and spatial information, amino acid conservation, physicochemical variation, residue mobility, and thermodynamic stability) indicates that this missense variant is expected to disrupt TBX20 protein function with a positive predictive value of 80%. In summary, the available evidence is currently insufficient to determine the role of this variant in disease. Therefore, it has been classified as a Variant of Uncertain Significance.